The following is an entry in ClinVar:

NM_138295.5(PKD1L1):c.5045A>C (p.Tyr1682Ser)

Gene: PKD1L1 (polycystin 1 like 1, transient receptor potential channel interacting; minus strand). Cytogenetic location: 7p12.3.
Variant type: single nucleotide variant.
Coding change: c.5045A>C on transcript NM_138295.5 (MANE Select); coding-DNA position 5045, A replaced by C.
Protein change: p.Tyr1682Ser; replaces tyrosine 1682 with serine.
Molecular consequence: missense variant.
Genome position (GRCh38, 1-based): chr7:47,846,987, T>G on the plus strand (A>C on the coding strand, the complement: PKD1L1 is on the minus strand). VCF-style: chr7-47846987-T-G. GRCh37 (hg19) VCF-style: chr7-47886585-T-G.
Other names: short protein forms Y1682S.
Identifiers: ClinVar variation 3359865 (VCV003359865.1).

ClinVar aggregate classification (germline): Uncertain significance (1 of 4 stars; one submission).

Submission:

GeneDx
Classification: Uncertain significance. Last evaluated: 2023-06-15. Review status: criteria provided, single submitter. Criteria: GeneDx Variant Classification Process June 2021. Collection method: clinical testing. Allele origin: germline. Affected: yes.
Comment: Not observed at significant frequency in large population cohorts (gnomAD); In silico analysis supports that this missense variant has a deleterious effect on protein structure/function; Has not been previously published as pathogenic or benign to our knowledge